The following is an entry in ClinVar:

ClinVar aggregate classification (germline): Uncertain significance (1 of 4 stars; one submission).

Conditions:
Lissencephaly 9 with complex brainstem malformation. Identifiers: Orphanet 572013, MedGen C5193029, MONDO:0032677, OMIM 618325.

Allele frequency attached by ClinVar (database versions not stated): gnomAD exomes below 0.00001.
gnomAD v4.1: 2 of 1,614,066 alleles (0.00012%); highest among the groups gnomAD compares: Non-Finnish European, 0.00017%; no homozygotes.

Submission:

Baylor Genetics
Classification: Uncertain significance for Lissencephaly 9 with complex brainstem malformation. Last evaluated: 2020-06-03. Review status: criteria provided, single submitter. Criteria: ACMG Guidelines, 2015. Collection method: clinical testing. Allele origin: unknown. Affected: yes.
Comment: This variant was determined to be of uncertain significance according to ACMG Guidelines, 2015 [PMID:25741868].

NM_001394062.1(MACF1):c.2875C>T (p.Arg959Cys)

Gene: MACF1 (microtubule actin crosslinking factor 1; plus strand). Cytogenetic location: 1p34.3.
Variant type: single nucleotide variant.
Coding change: c.2875C>T on transcript NM_001394062.1 (MANE Select); coding-DNA position 2875, C replaced by T.
Protein change: p.Arg959Cys; replaces arginine 959 with cysteine.
Molecular consequence: missense variant.
Genome position (GRCh38, 1-based): chr1:39,309,655, C>T. VCF-style: chr1-39309655-C-T. GRCh37 (hg19) VCF-style: chr1-39775327-C-T.
Other names: c.2890C>T, p.Arg964Cys (NM_012090.5); short protein forms R964C, R959C.
Identifiers: ClinVar variation 1031170 (VCV001031170.1), dbSNP rs1241320476, ClinGen allele CA339777206.